The following continues an entry in ClinVar:

NM_001042492.3(NF1):c.6855C>A (p.Tyr2285Ter)

Gene: NF1. ClinVar aggregate classification (germline): Pathogenic. Pathogenic (31).

Submissions 27 to 33 of 33:

Clinical Molecular Genetics Laboratory, Johns Hopkins All Children's Hospital
Classification: Pathogenic for Neurofibromatosis, type 1. Last evaluated: 2020-02-17. Review status: criteria provided, single submitter. Criteria: ACMG Guidelines, 2015. Collection method: clinical testing. Allele origin: germline. Inheritance: Autosomal dominant inheritance. Affected: yes. Observed: 1 heterozygote.

Medical Genetics, University of Parma
Classification: Pathogenic for Neurofibromatosis, type 1. Last evaluated: 2019-12-20. Review status: criteria provided, single submitter. Criteria: ACMG Guidelines, 2015. Collection method: clinical testing. Allele origin: germline. Affected: yes.

Fulgent Genetics
Classification: Pathogenic for Neurofibromatosis, type 1; Neurofibromatosis, familial spinal; Café-au-lait macules with pulmonary stenosis; Neurofibromatosis-Noonan syndrome; Juvenile myelomonocytic leukemia. Last evaluated: 2018-10-31. Review status: criteria provided, single submitter. Criteria: ACMG Guidelines, 2015. Collection method: clinical testing. Allele origin: unknown.

Center for Human Genetics, Inc
Classification: Pathogenic for Neurofibromatosis, type 1. Last evaluated: 2016-11-01. Review status: criteria provided, single submitter. Criteria: ACMG Guidelines, 2015. Collection method: clinical testing. Allele origin: germline. Affected: yes.

Ambry Genetics
Classification: Pathogenic for Hereditary cancer-predisposing syndrome. Last evaluated: 2015-05-21. Review status: criteria provided, single submitter. Criteria: Ambry Autosomal Dominant and X-Linked criteria (10/2015). Collection method: clinical testing. Allele origin: germline. Observed: 1 variant allele.
Comment: The p.Y2285*pathogenic mutation (also known as c.6855C>A) located in coding exon 46 of the NF1 gene, results from a C to A substitution at nucleotide position 6855. This changes the amino acid from a to a stop codon within coding exon 46.This is a recurrent mutation that has been detected in multiple patients and families with NF1 and has also been reported to result in-frame skipping of exon 37 (Robinson PN et al. Hum. Genet. 1995 Jul;96(1):95-8,Wimmer K et al. Hum. Mutat. 2007 Jun; 28(6):599-612,Sabbagh A et al. Hum. Mutat. 2013 Nov; 34(11):1510-8). In addition to the clinical information presented in the literature, since premature stop codons are typically deleterious in nature, this alteration is interpreted as a disease-causing mutation (ACMG Recommendations for Standards for Interpretation and Reporting of Sequence Variations. Revision 2007. Genet Med. 2008;10:294). This mutation is also known asp.Y2264* (c.6792C>A) in published literature.

Laboratory for Genotyping Development, RIKEN
Classification: Pathogenic for Gastric cancer. Last evaluated: 2021-07-01. Review status: no assertion criteria provided. Collection method: research. Allele origin: germline. Not counted in ClinVar's aggregate classification.

Molecular Oncology Initiative, University of California, San Francisco
Classification: Pathogenic for Ewing sarcoma; Neurofibromatosis, type 1. Last evaluated: 2018-09-04. Review status: no assertion criteria provided. Criteria: ACMG Guidelines, 2015. Collection method: clinical testing. Allele origin: germline. Affected: yes. Not counted in ClinVar's aggregate classification.

Literature cited by the submitters: PubMed 27838393 (cited by 3 submitters); PubMed 7607663 (cited by 6 submitters); PubMed 9385374 (cited by 5 submitters); PubMed 10607834 (cited by 6 submitters); PubMed 12807981 (cited by 5 submitters); PubMed 17311297 (cited by 5 submitters); PubMed 26962827 (cited by 5 submitters); PubMed 16870183 (cited by Labcorp Genetics (formerly Invitae), Labcorp and Women's Health and Genetics/Laboratory Corporation of America, LabCorp); PubMed 22925204 (cited by 5 submitters); PubMed 10712197 (cited by Mayo Clinic Laboratories, Mayo Clinic); PubMed 16479075 (cited by 3 submitters); PubMed 27322474 (cited by 3 submitters); PubMed 30290804 (cited by 3 submitters); PubMed 30530636 (cited by 3 submitters); PubMed 31347283 (cited by 3 submitters); PubMed 31730495 (cited by 4 submitters); PubMed 31766501 (cited by Mayo Clinic Laboratories, Mayo Clinic); PubMed 9463322 (cited by 4 submitters); PubMed 23913538 (cited by 3 submitters); PubMed 23668869 (cited by Athena Diagnostics and Quest Diagnostics Nichols Institute San Juan Capistrano); PubMed 12112660 (cited by Athena Diagnostics and Quest Diagnostics Nichols Institute San Juan Capistrano); PubMed 15060124 (cited by Athena Diagnostics and Quest Diagnostics Nichols Institute San Juan Capistrano); PubMed 20301288 (cited by Victorian Clinical Genetics Services, Murdoch Childrens Research Institute); PubMed 36988593 (cited by Laboratory for Genotyping Development, RIKEN).